The following is an entry in ClinVar:

ClinVar aggregate classification (germline): Uncertain significance (1 of 4 stars; one submission).

Allele frequency attached by ClinVar (database versions not stated): gnomAD exomes below 0.00001.
gnomAD v4.1: 2 of 1,527,296 alleles (0.00013%); highest among the groups gnomAD compares: South Asian, 0.0013%; no homozygotes.

Submission:

Labcorp Genetics (formerly Invitae), Labcorp
Classification: Uncertain significance. Last evaluated: 2021-09-26. Review status: criteria provided, single submitter. Criteria: Invitae Variant Classification Sherloc (09022015). Collection method: clinical testing. Allele origin: germline.
Comment: In summary, the available evidence is currently insufficient to determine the role of this variant in disease. Therefore, it has been classified as a Variant of Uncertain Significance. Algorithms developed to predict the effect of missense changes on protein structure and function output the following: SIFT: "Tolerated"; PolyPhen-2: "Possibly Damaging"; Align-GVGD: "Class C0". The phenylalanine amino acid residue is found in multiple mammalian species, which suggests that this missense change does not adversely affect protein function. This variant has not been reported in the literature in individuals affected with MYH7B-related conditions. This variant is not present in population databases (ExAC no frequency). This sequence change replaces leucine with phenylalanine at codon 1547 of the MYH7B protein (p.Leu1547Phe). The leucine residue is moderately conserved and there is a small physicochemical difference between leucine and phenylalanine.

NM_020884.7(MYH7B):c.4513C>T (p.Leu1505Phe)

Gene: MYH7B (myosin heavy chain 7B; plus strand). Cytogenetic location: 20q11.22.
Variant type: single nucleotide variant.
Coding change: c.4513C>T on transcript NM_020884.7 (MANE Select); coding-DNA position 4513, C replaced by T.
Protein change: p.Leu1505Phe; replaces leucine 1505 with phenylalanine.
Molecular consequence: missense variant.
Genome position (GRCh38, 1-based): chr20:34,999,378, C>T. VCF-style: chr20-34999378-C-T. GRCh37 (hg19) VCF-style: chr20-33587181-C-T.
Other names: short protein forms L1505F.
Identifiers: ClinVar variation 1370719 (VCV001370719.6), dbSNP rs1239688916, ClinGen allele CA408715578.